The following is an entry in ClinVar:

NM_004168.4(SDHA):c.667G>T (p.Asp223Tyr)

Gene: SDHA (succinate dehydrogenase complex flavoprotein subunit A; plus strand). Cytogenetic location: 5p15.33.
Variant type: single nucleotide variant.
Coding change: c.667G>T on transcript NM_004168.4 (MANE Select); coding-DNA position 667, G replaced by T.
Protein change: p.Asp223Tyr; replaces aspartic acid 223 with tyrosine.
Molecular consequence: missense variant.
Genome position (GRCh38, 1-based): chr5:228,230, G>T. VCF-style: chr5-228230-G-T. GRCh37 (hg19) VCF-style: chr5-228345-G-T.
Other names: c.523G>T, p.Asp175Tyr (NM_001294332.2); c.667G>T, p.Asp223Tyr (NM_001330758.2); short protein forms D223Y, D175Y.
Identifiers: ClinVar variation 642303 (VCV000642303.9), dbSNP rs1579391108, ClinGen allele CA359010893.

ClinVar aggregate classification (germline): Uncertain significance (1 of 4 stars; one submission).

Conditions:
Pheochromocytoma/paraganglioma syndrome 5. Also called: Paragangliomas 5; SDHA-Related Hereditary Paraganglioma-Pheochromocytoma Syndrome. Identifiers: Orphanet 29072, MedGen C3279992, MONDO:0013602, OMIM 614165.
Mitochondrial complex II deficiency, nuclear type 1. Also called: SUCCINATE CoQ REDUCTASE DEFICIENCY. Identifiers: Orphanet 3208, MedGen C5700310, MONDO:0100294, OMIM 252011.

Submission:

Labcorp Genetics (formerly Invitae), Labcorp
Classification: Uncertain significance for Pheochromocytoma/paraganglioma syndrome 5; Mitochondrial complex II deficiency, nuclear type 1. Last evaluated: 2018-07-28. Review status: criteria provided, single submitter. Criteria: Invitae Variant Classification Sherloc (09022015). Collection method: clinical testing. Allele origin: germline.
Comment: Algorithms developed to predict the effect of missense changes on protein structure and function (SIFT, PolyPhen-2, Align-GVGD) all suggest that this variant is likely to be disruptive, but these predictions have not been confirmed by published functional studies and their clinical significance is uncertain. In summary, the available evidence is currently insufficient to determine the role of this variant in disease. Therefore, it has been classified as a Variant of Uncertain Significance. This variant has not been reported in the literature in individuals with SDHA-related disease. This variant is not present in population databases (ExAC no frequency). This sequence change replaces aspartic acid with tyrosine at codon 223 of the SDHA protein (p.Asp223Tyr). The aspartic acid residue is highly conserved and there is a large physicochemical difference between aspartic acid and tyrosine.